The following is an entry in ClinVar:

NM_016734.3(PAX5):c.157G>A (p.Asp53Asn)

Gene: PAX5 (paired box 5; minus strand). Cytogenetic location: 9p13.2.
Variant type: single nucleotide variant.
Coding change: c.157G>A on transcript NM_016734.3 (MANE Select); coding-DNA position 157, G replaced by A.
Protein change: p.Asp53Asn; replaces aspartic acid 53 with asparagine.
Molecular consequence: missense variant. On other transcripts: non-coding transcript variant (2), intron variant (2).
Genome position (GRCh38, 1-based): chr9:37,020,691, C>T on the plus strand (G>A on the coding strand, the complement: PAX5 is on the minus strand). VCF-style: chr9-37020691-C-T. GRCh37 (hg19) VCF-style: chr9-37020688-C-T.
Other names: c.157G>A, p.Asp53Asn (NM_001280547.2, NM_001280548.2, NM_001280549.2 and 5 more transcripts); c.-112-5497G>A (NM_001280551.2, NM_001280556.2); short protein forms D53N.
Identifiers: ClinVar variation 3414550 (VCV003414550.1).

ClinVar aggregate classification (germline): Uncertain significance (1 of 4 stars; one submission).

Conditions:
Inborn genetic diseases. Identifiers: MedGen C0950123, MeSH D030342.

gnomAD v4.1: 3 of 1,614,064 alleles (0.00019%); highest among the groups gnomAD compares: Non-Finnish European, 0.00017%; no homozygotes.

Submission:

Ambry Genetics
Classification: Uncertain significance for Inborn genetic diseases. Last evaluated: 2024-12-01. Review status: criteria provided, single submitter. Criteria: Ambry Variant Classification Scheme 2023. Collection method: clinical testing. Allele origin: germline.
Comment: The p.D53N variant (also known as c.157G>A), located in coding exon 2 of the PAX5 gene, results from a G to A substitution at nucleotide position 157. The aspartic acid at codon 53 is replaced by asparagine, an amino acid with highly similar properties. This amino acid position is conserved. In addition, this alteration is predicted to be deleterious by in silico analysis. Based on the available evidence, the clinical significance of this variant remains unclear.